The following is an entry in ClinVar:

NM_003038.5(SLC1A4):c.410TCA[2] (p.Ile139del)

Gene: SLC1A4 (solute carrier family 1 member 4; plus strand). Cytogenetic location: 2p14.
Variant type: Microsatellite.
Coding change: c.410TCA[2] on transcript NM_003038.5 (MANE Select); two copies in a row of the 3-base unit TCA starting at c.410; the reference has three copies in a row; one copy, 3 bases deleted.
Protein change: p.Ile139del; deletes isoleucine 139.
Molecular consequence: inframe deletion. On other transcripts: intron variant (3).
Genome position (GRCh38, 1-based): chr2:64,990,059-64,990,061, TCA deleted; deleting any 3 consecutive bases within chr2:64,990,053-64,990,061 gives the same sequence; the position shown is the placement nearest the transcript's 3' end. VCF-style (leftmost placement, unchanged base first): chr2-64990052-TTCA-T. GRCh37 (hg19) VCF-style: chr2-65217186-TTCA-T.
Other names: c.-134+1433TCA[2] (NM_001348406.2, NM_001193493.2); c.-134+1499TCA[2] (NM_001348407.2); short protein forms I139del.
Identifiers: ClinVar variation 2064281 (VCV002064281.1), dbSNP rs1327684608, ClinGen allele CA533658742.

ClinVar aggregate classification (germline): Uncertain significance (1 of 4 stars; one submission).

Submission:

Labcorp Genetics (formerly Invitae), Labcorp
Classification: Uncertain significance. Last evaluated: 2021-12-28. Review status: criteria provided, single submitter. Criteria: Invitae Variant Classification Sherloc (09022015). Collection method: clinical testing. Allele origin: germline.
Comment: This variant, c.416_418del, results in the deletion of 1 amino acid(s) of the SLC1A4 protein (p.Ile139del), but otherwise preserves the integrity of the reading frame. This variant is present in population databases (no rsID available, gnomAD 0.006%). This variant has not been reported in the literature in individuals affected with SLC1A4-related conditions. Experimental studies and prediction algorithms are not available or were not evaluated, and the functional significance of this variant is currently unknown. In summary, the available evidence is currently insufficient to determine the role of this variant in disease. Therefore, it has been classified as a Variant of Uncertain Significance.